The following is an entry in ClinVar:

ClinVar aggregate classification (germline): Pathogenic/Likely pathogenic. Review status: criteria provided, multiple submitters, no conflicts (2 of 4 stars). 2 submissions from 2 submitters: Pathogenic (1); Likely pathogenic (1). Last evaluated 2022-10-31.

Conditions:
Fanconi anemia (FA). Also called: Fanconi's anemia. Identifiers: Orphanet 84, MedGen C0015625, MeSH D005199, MONDO:0019391.

Submissions (2):

Quest Diagnostics Nichols Institute San Juan Capistrano
Classification: Likely pathogenic. Last evaluated: 2022-10-31. Review status: criteria provided, single submitter. Criteria: Quest Diagnostics criteria. Collection method: clinical testing. Allele origin: unknown.
Comment: This frameshift variant alters the translational reading frame of the FANCM mRNA and is predicted to cause the premature termination of FANCM protein synthesis. The variant has not been reported in individuals with FANCM-related diseases in the published literature. The frequency of this variant in the general population, 0.000028 (3/108494 chromosomes), is consistent with pathogenicity. Based on the available information, this variant is classified as likely pathogenic.

Labcorp Genetics (formerly Invitae), Labcorp
Classification: Pathogenic for Fanconi anemia. Last evaluated: 2021-07-13. Review status: criteria provided, single submitter. Criteria: Invitae Variant Classification Sherloc (09022015). Collection method: clinical testing. Allele origin: germline.
Comment: The frequency data for this variant in the population databases is considered unreliable, as metrics indicate poor data quality at this position in the ExAC database. This variant has not been reported in the literature in individuals affected with FANCM-related conditions. For these reasons, this variant has been classified as Pathogenic. This sequence change creates a premature translational stop signal (p.Val1336Leufs*2) in the FANCM gene. It is expected to result in an absent or disrupted protein product. Loss-of-function variants in FANCM are known to be pathogenic (PMID: 29895858, 30075111).

Literature cited by the submitters: PubMed 29895858 (cited by Labcorp Genetics (formerly Invitae), Labcorp); PubMed 30075111 (cited by Labcorp Genetics (formerly Invitae), Labcorp).

NM_020937.4(FANCM):c.4005del (p.Val1336fs)

Gene: FANCM (FA complementation group M; plus strand). Cytogenetic location: 14q21.2.
Variant type: Deletion.
Coding change: c.4005del on transcript NM_020937.4 (MANE Select); coding-DNA position 4005, one base deleted (A; older notation c.4005delA).
Protein change: p.Val1336fs; shifts the reading frame from valine 1336.
Molecular consequence: frameshift variant.
Genome position (GRCh38, 1-based): chr14:45,176,759, A deleted; the last of 8 consecutive A bases (chr14:45,176,752-45,176,759); deleting any one gives the same sequence. VCF-style (leftmost placement, unchanged base first): chr14-45176751-CA-C. GRCh37 (hg19) VCF-style: chr14-45645954-CA-C.
Other names: c.4005del (NM_020937.3); c.3927del, p.Val1310fs (NM_001308133.2); short protein forms V1310fs, V1336fs.
Identifiers: ClinVar variation 1458596 (VCV001458596.7), dbSNP rs746983128, ClinGen allele CA7169611.
Genomic context (GRCh38, chr14:45,176,751, plus strand): 5'-AGTGCAGCAAAAAATGAAGAATTGTTATCTCCTGGTTATTCTCAGTTTTCTTTACCAGTG[CA>C]AAAAAAAGTTATGAGTACACCACTCTCTAAATCAAACACATTGAACTCATTTTCTAAGAT-3'